The following is an entry in ClinVar:

ClinVar aggregate classification (germline): Benign/Likely benign. Review status: criteria provided, multiple submitters, no conflicts (2 of 4 stars). 7 submissions from 7 submitters: Benign (1); Likely benign (6). Last evaluated 2026-01-13.

Conditions:
Hereditary cancer-predisposing syndrome. Also called: Tumor predisposition; Hereditary Cancer Syndrome; Hereditary neoplastic syndrome; Neoplastic Syndromes, Hereditary. Identifiers: Orphanet 140162, MedGen C0027672, MeSH D009386, MONDO:0015356.
Peutz-Jeghers syndrome (PJS). Also called: POLYPOSIS, HAMARTOMATOUS INTESTINAL; POLYPS-AND-SPOTS SYNDROME; Peutz-Jeghers polyposis; Periorificial lentiginosis syndrome. Identifiers: Orphanet 2869, MedGen C0031269, MeSH D010580, MONDO:0008280, OMIM 175200.

Allele frequency attached by ClinVar (database versions not stated): gnomAD exomes below 0.00001.
gnomAD v4.1: 1 of 1,608,232 alleles (0.000062%); highest among the groups gnomAD compares: Non-Finnish European, 0.000085%; no homozygotes.

Submissions (7):

Labcorp Genetics (formerly Invitae), Labcorp
Classification: Likely benign for Peutz-Jeghers syndrome. Last evaluated: 2026-01-13. Review status: criteria provided, single submitter. Criteria: Invitae Variant Classification Sherloc (09022015). Collection method: clinical testing. Allele origin: germline.

Myriad Genetics, Inc.
Classification: Benign for Peutz-Jeghers syndrome. Last evaluated: 2025-03-28. Review status: criteria provided, single submitter. Criteria: Myriad Autosomal Dominant, Autosomal Recessive and X-Linked Classification Criteria (2023). Collection method: clinical testing. Allele origin: unknown.
Comment: This variant is considered benign. This variant is a silent/synonymous amino acid change and it is not expected to impact splicing.

All of Us Research Program, National Institutes of Health
Classification: Likely benign for Peutz-Jeghers syndrome. Last evaluated: 2023-03-07. Review status: criteria provided, single submitter. Criteria: ACMG Guidelines, 2015. Collection method: clinical testing. Allele origin: germline. Inheritance: Autosomal dominant inheritance. Observed: 1 variant allele, 1 heterozygote.
Comment: This study involves interpretation of variants in research participants for the purpose of population health screening. Participant phenotype was not available at the time of variant classification. Additional details can be found in publication PMID: 35346344, PMCID: PMC8962531

Women's Health and Genetics/Laboratory Corporation of America, LabCorp
Classification: Likely benign. Last evaluated: 2021-11-25. Review status: criteria provided, single submitter. Criteria: LabCorp Variant Classification Summary - May 2015. Collection method: clinical testing. Allele origin: germline.

Color Diagnostics, LLC DBA Color Health
Classification: Likely benign for Hereditary cancer-predisposing syndrome. Last evaluated: 2017-09-24. Review status: criteria provided, single submitter. Criteria: ACMG Guidelines, 2015. Collection method: clinical testing. Allele origin: germline.

Ambry Genetics
Classification: Likely benign for Hereditary cancer-predisposing syndrome. Last evaluated: 2017-01-18. Review status: criteria provided, single submitter. Criteria: Ambry Variant Classification Scheme 2023. Collection method: clinical testing. Allele origin: germline.

GeneDx
Classification: Likely benign. Last evaluated: 2016-05-31. Review status: criteria provided, single submitter. Criteria: GeneDx Variant Classification (06012015). Collection method: clinical testing. Allele origin: germline. Affected: yes.
Comment: This variant is considered likely benign or benign based on one or more of the following criteria: it is a conservative change, it occurs at a poorly conserved position in the protein, it is predicted to be benign by multiple in silico algorithms, and/or has population frequency not consistent with disease.

NM_000455.5(STK11):c.1008T>C (p.Thr336=)

Genes: STK11 (serine/threonine kinase 11; plus strand), LOC130062899 (ATAC-STARR-seq lymphoblastoid active region 13597; plus strand). Cytogenetic location: 19p13.3.
Variant type: single nucleotide variant.
Coding change: c.1008T>C on transcript NM_000455.5 (MANE Select); coding-DNA position 1008, T replaced by C.
Protein change: p.Thr336=; no amino-acid change (threonine 336 retained).
Molecular consequence: synonymous variant.
Genome position (GRCh38, 1-based): chr19:1,223,072, T>C. VCF-style: chr19-1223072-T-C. GRCh37 (hg19) VCF-style: chr19-1223071-T-C.
Identifiers: ClinVar variation 237785 (VCV000237785.21), dbSNP rs878853981, ClinGen allele CA10583790.
Genomic context (GRCh38, chr19:1,223,072, plus strand): 5'-TGAAGCACCAGTGCCCATCCCACCGAGCCCAGACACCAAGGACCGGTGGCGCAGCATGAC[T>C]GTGGTGCCGTACTTGGAGGACCTGCACGGCGCGGACGAGGACGAGGACCTCTTCGACATC-3'
Protein context (NP_000446.1, residues 326-346): PDTKDRWRSM[Thr336=]VVPYLEDLHG